The following is an entry in ClinVar:

ClinVar aggregate classification (germline): Conflicting classifications of pathogenicity. Review status: criteria provided, conflicting classifications (1 of 4 stars). 2 submissions from 2 submitters: Uncertain significance (1); Likely benign (1). Last evaluated 2025-07-29.

Conditions:
Cardiovascular phenotype. Identifiers: MedGen CN230736.
Osteogenesis imperfecta type I (OI1). Also called: Classic Non-deforming Osteogenesis Imperfecta with Blue Sclerae; OI, TYPE I; OSTEOGENESIS IMPERFECTA TARDA; OSTEOGENESIS IMPERFECTA WITH BLUE SCLERAE; Osteogenesis imperfecta type 1; Lobstein's Disease. Identifiers: Orphanet 216796, Orphanet 666, MedGen C0023931, MONDO:0008146, OMIM 166200. Disease mechanism: loss of function.

Allele frequency attached by ClinVar (database versions not stated): gnomAD 0.00001; gnomAD exomes 0.00001; TOPMed 0.00002.

Submissions (2):

Ambry Genetics
Classification: Uncertain significance for Cardiovascular phenotype. Last evaluated: 2025-07-29. Review status: criteria provided, single submitter. Criteria: Ambry Variant Classification Scheme 2023. Collection method: clinical testing. Allele origin: germline.
Comment: The p.K1253R variant (also known as c.3758A>G), located in coding exon 48 of the COL1A1 gene, results from an A to G substitution at nucleotide position 3758. The lysine at codon 1253 is replaced by arginine, an amino acid with highly similar properties. This amino acid position is highly conserved in available vertebrate species. In addition, the in silico prediction for this alteration is inconclusive. Based on the available evidence, the clinical significance of this variant remains unclear.

Labcorp Genetics (formerly Invitae), Labcorp
Classification: Likely benign for Osteogenesis imperfecta type I. Last evaluated: 2024-11-12. Review status: criteria provided, single submitter. Criteria: Invitae Variant Classification Sherloc (09022015). Collection method: clinical testing. Allele origin: germline.

NM_000088.4(COL1A1):c.3758A>G (p.Lys1253Arg)

Gene: COL1A1 (collagen type I alpha 1 chain; minus strand). Cytogenetic location: 17q21.33.
Variant type: single nucleotide variant.
Coding change: c.3758A>G on transcript NM_000088.4 (MANE Select); coding-DNA position 3758, A replaced by G.
Protein change: p.Lys1253Arg; replaces lysine 1253 with arginine.
Molecular consequence: missense variant.
Genome position (GRCh38, 1-based): chr17:50,186,696, T>C on the plus strand (A>G on the coding strand, the complement: COL1A1 is on the minus strand). VCF-style: chr17-50186696-T-C. GRCh37 (hg19) VCF-style: chr17-48264057-T-C.
Other names: short protein forms K1253R.
Identifiers: ClinVar variation 1734611 (VCV001734611.8), dbSNP rs1176922412, ClinGen allele CA400196414.